The following is an entry in ClinVar:

ClinVar aggregate classification (germline): Uncertain significance (1 of 4 stars; one submission).

Conditions:
DICER1-related tumor predisposition. Also called: DICER1-related pleuropulmonary blastoma cancer predisposition syndrome; DICER1 syndrome. Identifiers: Orphanet 284343, MedGen C3839822, MONDO:0100216.

Submission:

Labcorp Genetics (formerly Invitae), Labcorp
Classification: Uncertain significance for DICER1-related tumor predisposition. Last evaluated: 2025-06-30. Review status: criteria provided, single submitter. Criteria: Invitae Variant Classification Sherloc (09022015). Collection method: clinical testing. Allele origin: germline.
Comment: This sequence change replaces leucine, which is neutral and non-polar, with histidine, which is basic and polar, at codon 860 of the DICER1 protein (p.Leu860His). This variant is not present in population databases (gnomAD no frequency). This variant has not been reported in the literature in individuals affected with DICER1-related conditions. Invitae Evidence Modeling of protein sequence and biophysical properties (such as structural, functional, and spatial information, amino acid conservation, physicochemical variation, residue mobility, and thermodynamic stability) indicates that this missense variant is expected to disrupt DICER1 protein function with a positive predictive value of 95%. In summary, the available evidence is currently insufficient to determine the role of this variant in disease. Therefore, it has been classified as a Variant of Uncertain Significance.

NM_177438.3(DICER1):c.2579T>A (p.Leu860His)

Gene: DICER1 (dicer 1, ribonuclease III; minus strand). Cytogenetic location: 14q32.13.
Variant type: single nucleotide variant.
Coding change: c.2579T>A on transcript NM_177438.3 (MANE Select); coding-DNA position 2579, T replaced by A.
Protein change: p.Leu860His; replaces leucine 860 with histidine.
Molecular consequence: missense variant. On other transcripts: non-coding transcript variant (6).
Genome position (GRCh38, 1-based): chr14:95,107,951, A>T on the plus strand (T>A on the coding strand, the complement: DICER1 is on the minus strand). VCF-style: chr14-95107951-A-T. GRCh37 (hg19) VCF-style: chr14-95574288-A-T.
Other names: c.2579T>A, p.Leu860His (NM_001195573.1, NM_001271282.3, NM_001291628.2 and 12 more transcripts); c.2174T>A, p.Leu725His (NM_001395696.1, NM_001395687.1, NM_001395688.1 and 2 more transcripts); c.896T>A, p.Leu299His (NM_001395697.1); c.2297T>A, p.Leu766His (NM_001395686.1); c.2012T>A, p.Leu671His (NM_001395691.1); short protein forms L860H, L766H, L299H, L671H, L725H.
Identifiers: ClinVar variation 4746795 (VCV004746795.1).